The following is an entry in ClinVar:

NM_001953.5(TYMP):c.961G>A (p.Gly321Arg)

Genes: TYMP (thymidine phosphorylase; minus strand), LOC130067862 (ATAC-STARR-seq lymphoblastoid silent region 13986; plus strand). Cytogenetic location: 22q13.33.
Variant type: single nucleotide variant.
Coding change: c.961G>A on transcript NM_001953.5 (MANE Select); coding-DNA position 961, G replaced by A.
Protein change: p.Gly321Arg; replaces glycine 321 with arginine.
Molecular consequence: missense variant.
Genome position (GRCh38, 1-based): chr22:50,526,444, C>T on the plus strand (G>A on the coding strand, the complement: TYMP is on the minus strand). VCF-style: chr22-50526444-C-T. GRCh37 (hg19) VCF-style: chr22-50964873-C-T.
Other names: c.961G>A, p.Gly321Arg (NM_001113755.3, NM_001113756.3, NM_001257988.1 and 1 more transcripts); c.961G>A (NM_001953.3); short protein forms G321R.
Identifiers: ClinVar variation 1984976 (VCV001984976.2), dbSNP rs772156477, ClinGen allele CA10321510.

ClinVar aggregate classification (germline): Uncertain significance. Review status: criteria provided, multiple submitters, no conflicts (2 of 4 stars). 2 submissions from 2 submitters: Uncertain significance (2). Last evaluated 2024-07-31.

Conditions:
Inborn genetic diseases. Identifiers: MedGen C0950123, MeSH D030342.

Allele frequency attached by ClinVar (database versions not stated): ExAC 0.00012.
gnomAD v4.1: 7 of 1,498,168 alleles (0.00047%); highest among the groups gnomAD compares: Admixed American, 0.015%; no homozygotes.

Submissions (2):

Ambry Genetics
Classification: Uncertain significance for Inborn genetic diseases. Last evaluated: 2024-07-31. Review status: criteria provided, single submitter. Criteria: Ambry Variant Classification Scheme 2023. Collection method: clinical testing. Allele origin: germline.

Labcorp Genetics (formerly Invitae), Labcorp
Classification: Uncertain significance. Last evaluated: 2022-07-29. Review status: criteria provided, single submitter. Criteria: Invitae Variant Classification Sherloc (09022015). Collection method: clinical testing. Allele origin: germline.
Comment: This sequence change replaces glycine, which is neutral and non-polar, with arginine, which is basic and polar, at codon 321 of the TYMP protein (p.Gly321Arg). This variant is present in population databases (rs772156477, gnomAD 0.02%). This variant has not been reported in the literature in individuals affected with TYMP-related conditions. Advanced modeling of protein sequence and biophysical properties (such as structural, functional, and spatial information, amino acid conservation, physicochemical variation, residue mobility, and thermodynamic stability) performed at Invitae indicates that this missense variant is not expected to disrupt TYMP protein function. In summary, the available evidence is currently insufficient to determine the role of this variant in disease. Therefore, it has been classified as a Variant of Uncertain Significance.